The following is an entry in ClinVar:

NC_000009.12:g.35658017_35658034dup

Gene: RMRP (RNA component of mitochondrial RNA processing endoribonuclease; minus strand). Cytogenetic location: 9p13.3.
Variant type: Duplication.
Genome position: GRCh38 VCF-style: chr9-35658016-A-ACCACGTCCTCAGCTTCAC. GRCh37 (hg19) VCF-style: chr9-35658013-A-ACCACGTCCTCAGCTTCAC.
Identifiers: ClinVar variation 2748178 (VCV002748178.4), dbSNP rs2490602916, ClinGen allele CA2697557717.

ClinVar aggregate classification (germline): Pathogenic/Likely pathogenic. Review status: criteria provided, multiple submitters, no conflicts (2 of 4 stars). 2 submissions from 2 submitters: Pathogenic (1); Likely pathogenic (1). Last evaluated 2025-01-21.

Conditions:
Anauxetic dysplasia. Identifiers: Orphanet 93347, MedGen C1846796, MONDO:0011773.
Metaphyseal chondrodysplasia, McKusick type (CHH). Also called: Cartilage-Hair Hypoplasia (CHH); Cartilage-hair hypoplasia. Identifiers: Orphanet 175, MedGen C0220748, MONDO:0009595, OMIM 250250.

Submissions (2):

Natera, Inc.
Classification: Likely pathogenic for Cartilage-hair hypoplasia. Last evaluated: 2025-01-21. Review status: criteria provided, single submitter. Criteria: Natera Variant Classification Schema (03/2026). Collection method: clinical testing. Allele origin: germline.
Comment: The n.-16_2dup variant in RMRP, also known as NC_000009.12:g.35658017_35658034dup, is a duplication affecting the RMRP promoter region between the TATA box and the transcription initiation site. Other duplications and insertions just upstream of the transcription initiation site have been reported in individuals affected with cartilage-hair hypoplasia (PMID: 11207361, 17937437). This variant is rare in the general population with a frequency below the threshold expected for the associated phenotype(s). Given the available evidence, this variant is classified as Likely Pathogenic.

Labcorp Genetics (formerly Invitae), Labcorp
Classification: Pathogenic for Anauxetic dysplasia. Last evaluated: 2023-07-29. Review status: criteria provided, single submitter. Criteria: Invitae Variant Classification Sherloc (09022015). Collection method: clinical testing. Allele origin: germline.
Comment: This variant occurs in the RMRP gene, which encodes an RNA molecule that does not result in a protein product. This variant is not present in population databases (gnomAD no frequency). While this particular variant has not been reported in the literature, it is located in the promoter region between the TATA box and the transcription initiation site, and other insertions and duplications immediately upstream of the coding sequence have been reported in individuals affected with cartilage-hair hypoplasia-anauxetic dysplasia (CHH-AD) spectrum disorders (PMID: 16244706, 11207361, 12107819). While functional studies for this variant have not been reported, experimental analyses using patient derived cells, as well as in vitro transfection studies, have shown that promoter insertions result in silencing of RMRP transcription and reduced expression of the gene product (PMID: 11207361, 16254002). For these reasons, this variant has been classified as Pathogenic.

Literature cited by the submitters: PubMed 11207361 (cited by Natera, Inc. and Labcorp Genetics (formerly Invitae), Labcorp); PubMed 17937437 (cited by Natera, Inc.); PubMed 16244706 (cited by Labcorp Genetics (formerly Invitae), Labcorp); PubMed 12107819 (cited by Labcorp Genetics (formerly Invitae), Labcorp); PubMed 16254002 (cited by Labcorp Genetics (formerly Invitae), Labcorp).